The following is an entry in ClinVar:

NM_013339.4(ALG6):c.226dup (p.Thr76fs)

Gene: ALG6 (ALG6 alpha-1,3-glucosyltransferase; plus strand). Cytogenetic location: 1p31.3.
Variant type: Duplication.
Coding change: c.226dup on transcript NM_013339.4 (MANE Select); coding-DNA position 226, one base duplicated (A; older notation c.226dupA).
Protein change: p.Thr76fs; shifts the reading frame from threonine 76.
Molecular consequence: frameshift variant.
Genome position (GRCh38, 1-based): chr1:63,402,312, A duplicated. VCF-style (leftmost placement, unchanged base first): chr1-63402311-T-TA. GRCh37 (hg19) VCF-style: chr1-63867982-T-TA.
Other names: c.226dupA (NM_013339.3); short protein forms T76fs.
Identifiers: ClinVar variation 2768470 (VCV002768470.4), dbSNP rs1644468733, ClinGen allele CA1171479383.

ClinVar aggregate classification (germline): Pathogenic/Likely pathogenic. Review status: criteria provided, multiple submitters, no conflicts (2 of 4 stars). 2 submissions from 2 submitters: Pathogenic (1); Likely pathogenic (1). Last evaluated 2024-08-21.

Conditions:
ALG6-congenital disorder of glycosylation 1C (CDG1C). Also called: CDG Ic; Congenital disorder of glycosylation, type Ic; CARBOHYDRATE-DEFICIENT GLYCOPROTEIN SYNDROME, TYPE I, WITH DEFICIENT GLYCOSYLATION OF DOLICHOL-LINKED OLIGOSACCHARIDE; CARBOHYDRATE-DEFICIENT GLYCOPROTEIN SYNDROME, TYPE V; Congenital disorder of glycosylation type 1C. Identifiers: Orphanet 79320, MedGen C2930997, MONDO:0011291, OMIM 603147.

Allele frequency attached by ClinVar (database versions not stated): TOPMed below 0.00001; gnomAD exomes 0.00001.

Submissions (2):

Natera, Inc.
Classification: Likely pathogenic for Congenital disorder of glycosylation type 1c. Last evaluated: 2024-08-21. Review status: criteria provided, single submitter. Criteria: Natera Variant Classification Schema (03/2026). Collection method: clinical testing. Allele origin: germline.
Comment: The c.226dupA variant in ALG6 is a frameshift variant predicted to shift the reading frame beginning at codon 76 and leads to a stop codon 5 codons downstream. This variant is expected to result in nonsense mediated decay, truncation, or a dysfunctional protein product. This variant is rare in the general population with a frequency below the threshold expected for the associated phenotype(s). Given the available evidence, this variant is classified as Likely Pathogenic.

Labcorp Genetics (formerly Invitae), Labcorp
Classification: Pathogenic for ALG6-congenital disorder of glycosylation 1C. Last evaluated: 2023-06-04. Review status: criteria provided, single submitter. Criteria: Invitae Variant Classification Sherloc (09022015). Collection method: clinical testing. Allele origin: germline.
Comment: This variant has not been reported in the literature in individuals affected with ALG6-related conditions. For these reasons, this variant has been classified as Pathogenic. This sequence change creates a premature translational stop signal (p.Thr76Asnfs*5) in the ALG6 gene. It is expected to result in an absent or disrupted protein product. Loss-of-function variants in ALG6 are known to be pathogenic (PMID: 19862844). This variant is not present in population databases (gnomAD no frequency).

Literature cited by the submitters: PubMed 19862844 (cited by Labcorp Genetics (formerly Invitae), Labcorp).